The following is an entry in ClinVar:

NM_001378454.1(ALMS1):c.12119C>T (p.Ser4040Leu)

Genes: ALMS1 (ALMS1 centrosome and basal body associated protein; plus strand), LOC126806252 (BRD4-independent group 4 enhancer GRCh37_chr2:73828496-73829695; plus strand). Cytogenetic location: 2p13.1.
Variant type: single nucleotide variant.
Coding change: c.12119C>T on transcript NM_001378454.1 (MANE Select); coding-DNA position 12119, C replaced by T.
Protein change: p.Ser4040Leu; replaces serine 4040 with leucine.
Molecular consequence: missense variant.
Genome position (GRCh38, 1-based): chr2:73,602,189, C>T. VCF-style: chr2-73602189-C-T. GRCh37 (hg19) VCF-style: chr2-73829316-C-T.
Other names: c.12122C>T, p.Ser4041Leu (NM_015120.4); short protein forms S4041L, S4040L.
Identifiers: ClinVar variation 657042 (VCV000657042.45), dbSNP rs763327026, ClinGen allele CA1715462.

ClinVar aggregate classification (germline): Uncertain significance. Review status: criteria provided, multiple submitters, no conflicts (2 of 4 stars). 5 submissions from 5 submitters: Uncertain significance (4). 1 of the submissions does not count toward it. Last evaluated 2025-09-08.

Conditions:
Alstrom syndrome (ALMS). Identifiers: Orphanet 64, MedGen C0268425, MONDO:0008763, OMIM 203800.
Cardiovascular phenotype. Identifiers: MedGen CN230736.

Allele frequency attached by ClinVar (database versions not stated): ExAC 0.00003; gnomAD exomes 0.00005; gnomAD 0.00007 and 0.00009; TOPMed 0.00009.
gnomAD v4.1: 28 of 1,613,446 alleles (0.0017%); highest among the groups gnomAD compares: Admixed American, 0.032%; no homozygotes.

Submissions (5):

Labcorp Genetics (formerly Invitae), Labcorp
Classification: Uncertain significance for Alstrom syndrome. Last evaluated: 2025-09-08. Review status: criteria provided, single submitter. Criteria: Invitae Variant Classification Sherloc (09022015). Collection method: clinical testing. Allele origin: germline.
Comment: This sequence change replaces serine, which is neutral and polar, with leucine, which is neutral and non-polar, at codon 4041 of the ALMS1 protein (p.Ser4041Leu). This variant is present in population databases (rs763327026, gnomAD 0.03%). This variant has not been reported in the literature in individuals affected with ALMS1-related conditions. ClinVar contains an entry for this variant (Variation ID: 657042). Experimental studies and prediction algorithms are not available or were not evaluated, and the functional significance of this variant is currently unknown. In summary, the available evidence is currently insufficient to determine the role of this variant in disease. Therefore, it has been classified as a Variant of Uncertain Significance.

Fulgent Genetics
Classification: Uncertain significance for Alstrom syndrome. Last evaluated: 2022-04-07. Review status: criteria provided, single submitter. Criteria: ACMG Guidelines, 2015. Collection method: clinical testing. Allele origin: unknown.

Ambry Genetics
Classification: Uncertain significance for Cardiovascular phenotype. Last evaluated: 2021-10-01. Review status: criteria provided, single submitter. Criteria: Ambry Variant Classification Scheme 2023. Collection method: clinical testing. Allele origin: germline.

CeGaT Center for Human Genetics Tuebingen
Classification: Uncertain significance. Last evaluated: 2021-09-01. Review status: criteria provided, single submitter. Criteria: CeGaT Center For Human Genetics Tuebingen Variant Classification Criteria Version 2. Collection method: clinical testing. Allele origin: germline. Affected: yes. Observed: 1 variant allele.

Natera, Inc.
Classification: Uncertain significance for Alstrom syndrome. Last evaluated: 2020-04-23. Review status: no assertion criteria provided. Collection method: clinical testing. Allele origin: germline. Not counted in ClinVar's aggregate classification.